The following is an entry in ClinVar:

ClinVar aggregate classification (germline): Pathogenic (1 of 4 stars; one submission).

Submission:

Labcorp Genetics (formerly Invitae), Labcorp
Classification: Pathogenic. Last evaluated: 2023-04-01. Review status: criteria provided, single submitter. Criteria: Invitae Variant Classification Sherloc (09022015). Collection method: clinical testing. Allele origin: germline.
Comment: For these reasons, this variant has been classified as Pathogenic. This variant has not been reported in the literature in individuals affected with IGF1R-related conditions. This variant is not present in population databases (gnomAD no frequency). This sequence change creates a premature translational stop signal (p.Trp574*) in the IGF1R gene. It is expected to result in an absent or disrupted protein product. Loss-of-function variants in IGF1R are known to be pathogenic (PMID: 14657428).

Literature cited by the submitters: PubMed 14657428.

NM_000875.5(IGF1R):c.1722G>A (p.Trp574Ter)

Gene: IGF1R (insulin like growth factor 1 receptor; plus strand). Cytogenetic location: 15q26.3.
Variant type: single nucleotide variant.
Coding change: c.1722G>A on transcript NM_000875.5 (MANE Select); coding-DNA position 1722, G replaced by A.
Protein change: p.Trp574Ter; replaces tryptophan 574 with a stop codon.
Molecular consequence: nonsense.
Genome position (GRCh38, 1-based): chr15:98,913,176, G>A. VCF-style: chr15-98913176-G-A. GRCh37 (hg19) VCF-style: chr15-99456405-G-A.
Other names: c.1722G>A, p.Trp574Ter (NM_001291858.2); short protein forms W574*.
Identifiers: ClinVar variation 2851464 (VCV002851464.3), dbSNP rs2506014488, ClinGen allele CA393679072.